The following is an entry in ClinVar:

ClinVar aggregate classification (germline): Likely pathogenic (0 of 4 stars; one submission).

Conditions:
ATP8B1-related disorder. Also called: ATP8B1-related disorders; ATP8B1-related condition.

Submission:

PreventionGenetics, part of Exact Sciences
Classification: Likely pathogenic for ATP8B1-related condition. Last evaluated: 2024-02-19. Review status: no assertion criteria provided. Collection method: clinical testing. Allele origin: germline.
Comment: The ATP8B1 c.2649C>G variant is predicted to result in premature protein termination (p.Tyr883*). To our knowledge, this variant has not been reported in the literature or in a large population database, indicating this variant is rare. Nonsense variants in ATP8B1 are expected to be pathogenic. This variant is interpreted as likely pathogenic.

NM_001374385.1(ATP8B1):c.2649C>G (p.Tyr883Ter)

Genes: ATP8B1 (ATPase phospholipid transporting 8B1; minus strand), ATP8B1-AS1 (ATP8B1 antisense RNA 1; plus strand). Cytogenetic location: 18q21.31.
Variant type: single nucleotide variant.
Coding change: c.2649C>G on transcript NM_001374385.1 (MANE Select); coding-DNA position 2649, C replaced by G.
Protein change: p.Tyr883Ter; replaces tyrosine 883 with a stop codon.
Molecular consequence: nonsense.
Genome position (GRCh38, 1-based): chr18:57,661,232, G>C on the plus strand (C>G on the coding strand, the complement: ATP8B1 is on the minus strand). VCF-style: chr18-57661232-G-C. GRCh37 (hg19) VCF-style: chr18-55328464-G-C.
Other names: c.2499C>G, p.Tyr833Ter (NM_001374386.1); c.2649C>G, p.Tyr883Ter (NM_005603.6); short protein forms Y833*, Y883*.
Identifiers: ClinVar variation 3061363 (VCV003061363.2), dbSNP rs2511652485, ClinGen allele CA402550573.